The following is an entry in ClinVar:

ClinVar aggregate classification (germline): Pathogenic. Review status: criteria provided, multiple submitters, no conflicts (2 of 4 stars). 2 submissions from 2 submitters: Pathogenic (2). Last evaluated 2022-09-19.

Submissions (2):

Labcorp Genetics (formerly Invitae), Labcorp
Classification: Pathogenic. Last evaluated: 2022-09-19. Review status: criteria provided, single submitter. Criteria: Invitae Variant Classification Sherloc (09022015). Collection method: clinical testing. Allele origin: germline.
Comment: For these reasons, this variant has been classified as Pathogenic. ClinVar contains an entry for this variant (Variation ID: 489230). This variant has not been reported in the literature in individuals affected with CEP135-related conditions. This variant is not present in population databases (gnomAD no frequency). This sequence change creates a premature translational stop signal (p.Trp865*) in the CEP135 gene. It is expected to result in an absent or disrupted protein product. Loss-of-function variants in CEP135 are known to be pathogenic (PMID: 22521416, 26657937).

GeneDx
Classification: Pathogenic. Last evaluated: 2017-12-15. Review status: criteria provided, single submitter. Criteria: GeneDx Variant Classification (06012015). Collection method: clinical testing. Allele origin: germline. Affected: yes.
Comment: The W865X variant in the CEP135 gene has not been reported previously as a pathogenic variant nor as a benign variant, to our knowledge. This variant is predicted to cause loss of normal protein function either through protein truncation or nonsense-mediated mRNA decay. The W865X variant is not observed in large population cohorts (Lek et al., 2016). We interpret W865X as a pathogenic variant.

Literature cited by the submitters: PubMed 22521416 (cited by Labcorp Genetics (formerly Invitae), Labcorp); PubMed 26657937 (cited by Labcorp Genetics (formerly Invitae), Labcorp).

NM_025009.5(CEP135):c.2594G>A (p.Trp865Ter)

Gene: CEP135 (centrosomal protein 135; plus strand). Cytogenetic location: 4q12.
Variant type: single nucleotide variant.
Coding change: c.2594G>A on transcript NM_025009.5 (MANE Select); coding-DNA position 2594, G replaced by A.
Protein change: p.Trp865Ter; replaces tryptophan 865 with a stop codon.
Molecular consequence: nonsense.
Genome position (GRCh38, 1-based): chr4:56,011,500, G>A. VCF-style: chr4-56011500-G-A. GRCh37 (hg19) VCF-style: chr4-56877666-G-A.
Other names: short protein forms W865*.
Identifiers: ClinVar variation 489230 (VCV000489230.6), dbSNP rs1553894675, ClinGen allele CA356966873.